The following is an entry in ClinVar:

ClinVar aggregate classification (germline): Likely benign. Review status: criteria provided, multiple submitters, no conflicts (2 of 4 stars). 4 submissions from 4 submitters: Likely benign (3). 1 of the submissions does not count toward it. Last evaluated 2025-12-20.

Conditions:
COL11A2-related disorder. Also called: COL11A2-related condition; COL11A2-related disorders.

Allele frequency attached by ClinVar (database versions not stated): ExAC 0.00003; gnomAD 0.00003; gnomAD exomes 0.00004.
gnomAD v4.1: 88 of 1,612,584 alleles (0.0055%); highest among the groups gnomAD compares: Non-Finnish European, 0.0065%; no homozygotes.

Submissions (4):

Labcorp Genetics (formerly Invitae), Labcorp
Classification: Likely benign. Last evaluated: 2025-12-20. Review status: criteria provided, single submitter. Criteria: Invitae Variant Classification Sherloc (09022015). Collection method: clinical testing. Allele origin: germline.

Women's Health and Genetics/Laboratory Corporation of America, LabCorp
Classification: Likely benign. Last evaluated: 2025-12-15. Review status: criteria provided, single submitter. Criteria: LabCorp Variant Classification Summary - May 2015. Collection method: clinical testing. Allele origin: germline.

Blueprint Genetics
Classification: Likely benign. Last evaluated: 2023-02-13. Review status: criteria provided, single submitter. Criteria: ACMG Guidelines, 2015. Collection method: clinical testing. Allele origin: germline.

PreventionGenetics, part of Exact Sciences
Classification: Likely benign for COL11A2-related condition. Last evaluated: 2019-11-01. Review status: no assertion criteria provided. Collection method: clinical testing. Allele origin: germline. Not counted in ClinVar's aggregate classification.
Comment: This variant is classified as likely benign based on ACMG/AMP sequence variant interpretation guidelines (Richards et al. 2015 PMID: 25741868, with internal and published modifications).

NM_080680.3(COL11A2):c.4746C>T (p.Pro1582=)

Gene: COL11A2 (collagen type XI alpha 2 chain; minus strand). Cytogenetic location: 6p21.32.
Variant type: single nucleotide variant.
Coding change: c.4746C>T on transcript NM_080680.3 (MANE Select); coding-DNA position 4746, C replaced by T.
Protein change: p.Pro1582=; no amino-acid change (proline 1582 retained).
Molecular consequence: synonymous variant.
Genome position (GRCh38, 1-based): chr6:33,165,553, G>A on the plus strand (C>T on the coding strand, the complement: COL11A2 is on the minus strand). VCF-style: chr6-33165553-G-A. GRCh37 (hg19) VCF-style: chr6-33133330-G-A.
Other names: c.4425C>T, p.Pro1475= (NM_080679.3); c.4488C>T, p.Pro1496= (NM_080681.3); c.4746C>T (NM_080680.2).
Identifiers: ClinVar variation 1664141 (VCV001664141.11), dbSNP rs773235349, ClinGen allele CA3750013.
Genomic context (GRCh38, chr6:33,165,553, plus strand): 5'-TGTTCAGTACCCATGCTGTTGGGGAGATGTTTGTGCACCCTGAGGCTAGCACTGACCATC[G>A]GGAAGCTCTGGGTGGCACAGCTTCAGGTCCTGGCAGGTGCGAGCAGGGCTGTCCTGGGTC-3'
Protein context (NP_542411.2, residues 1572-1592): QDLKLCHPEL[Pro1582=]DGEYWVDPNQ